The following is an entry in ClinVar:

NM_001374259.2(IL12RB2):c.2569T>C (p.Cys857Arg)

Gene: IL12RB2 (interleukin 12 receptor subunit beta 2; plus strand). Cytogenetic location: 1p31.3.
Variant type: single nucleotide variant.
Coding change: c.2569T>C on transcript NM_001374259.2 (MANE Select); coding-DNA position 2569, T replaced by C.
Protein change: p.Cys857Arg; replaces cysteine 857 with arginine.
Molecular consequence: missense variant. On other transcripts: 3 prime UTR variant (3), non-coding transcript variant (2).
Genome position (GRCh38, 1-based): chr1:67,396,069, T>C. VCF-style: chr1-67396069-T-C. GRCh37 (hg19) VCF-style: chr1-67861752-T-C.
Other names: c.*489T>C (NM_001258214.1, NM_001319233.1); c.2311T>C, p.Cys771Arg (NM_001258215.1); c.*470T>C (NM_001258216.1); c.2569T>C, p.Cys857Arg (NM_001559.3); short protein forms C771R, C857R.
Identifiers: ClinVar variation 4693228 (VCV004693228.1).

ClinVar aggregate classification (germline): Uncertain significance (1 of 4 stars; one submission).

gnomAD v4.1: 6 of 1,598,778 alleles (0.00038%); highest among the groups gnomAD compares: Non-Finnish European, 0.00051%; no homozygotes.

Submission:

Labcorp Genetics (formerly Invitae), Labcorp
Classification: Uncertain significance. Last evaluated: 2025-05-28. Review status: criteria provided, single submitter. Criteria: Invitae Variant Classification Sherloc (09022015). Collection method: clinical testing. Allele origin: germline.
Comment: This sequence change replaces cysteine, which is neutral and slightly polar, with arginine, which is basic and polar, at codon 857 of the IL12RB2 protein (p.Cys857Arg). This variant is present in population databases (rs769240325, gnomAD 0.002%). This variant has not been reported in the literature in individuals affected with IL12RB2-related conditions. An algorithm developed to predict the effect of missense changes on protein structure and function (PolyPhen-2) suggests that this variant is likely to be disruptive. In summary, the available evidence is currently insufficient to determine the role of this variant in disease. Therefore, it has been classified as a Variant of Uncertain Significance.